The following is an entry in ClinVar:

NM_024642.5(GALNT12):c.344GCC[1] (p.Arg116del)

Gene: GALNT12 (polypeptide N-acetylgalactosaminyltransferase 12; plus strand). Cytogenetic location: 9q22.33.
Variant type: Microsatellite.
Coding change: c.344GCC[1] on transcript NM_024642.5 (MANE Select); one copy of the 3-base unit GCC starting at c.344; the reference has two copies in a row; one copy, 3 bases deleted; also written c.347_349del.
Protein change: p.Arg116del; deletes arginine 116.
Molecular consequence: inframe deletion.
Genome position (GRCh38, 1-based): chr9:98,808,045-98,808,047, GCC deleted; deleting any 3 consecutive bases within chr9:98,808,040-98,808,047 gives the same sequence; the position shown is the placement nearest the transcript's 3' end. VCF-style (leftmost placement, unchanged base first): chr9-98808039-ACCG-A. GRCh37 (hg19) VCF-style: chr9-101570321-ACCG-A.
Other names: c.347_349del (NM_024642.5); short protein forms R116del.
Identifiers: ClinVar variation 823810 (VCV000823810.6), dbSNP rs866699148, ClinGen allele CA196833864.

ClinVar aggregate classification (germline): Uncertain significance. Review status: criteria provided, multiple submitters, no conflicts (2 of 4 stars). 3 submissions from 3 submitters: Uncertain significance (3). Last evaluated 2024-01-23.

Conditions:
Colorectal cancer, susceptibility to, 1. Also called: COLORECTAL CANCER, SUSCEPTIBILITY TO, ON CHROMOSOME 9; COLORECTAL ADENOMA AND CANCER, SUSCEPTIBILITY TO. Identifiers: MedGen C1837315, MONDO:0012132, OMIM 608812.

Submissions (3):

Fulgent Genetics
Classification: Uncertain significance for Colorectal cancer, susceptibility to, 1. Last evaluated: 2024-01-23. Review status: criteria provided, single submitter. Criteria: ACMG Guidelines, 2015. Collection method: clinical testing. Allele origin: germline.

Baylor Genetics
Classification: Uncertain significance for Colorectal cancer, susceptibility to, 1. Last evaluated: 2023-06-16. Review status: criteria provided, single submitter. Criteria: ACMG Guidelines, 2015. Collection method: clinical testing. Allele origin: unknown.

Ambry Genetics
Classification: Uncertain significance. Last evaluated: 2022-04-27. Review status: criteria provided, single submitter. Criteria: Ambry Variant Classification Scheme 2023. Collection method: clinical testing. Allele origin: germline.
Comment: The c.347_349delGCC variant (also known as p.R116del) is located in coding exon 1 of the GALNT12 gene. This variant results from an in-frame GCC deletion at nucleotide positions 347 to 349. This results in the in-frame deletion of an arginine at codon 116. This amino acid position is highly conserved in available vertebrate species. In addition, this alteration is predicted to be deleterious by in silico analysis (Choi Y et al. PLoS ONE. 2012; 7(10):e46688). Since supporting evidence is limited at this time, the clinical significance of this alteration remains unclear.